The following is an entry in ClinVar:

ClinVar aggregate classification (germline): Uncertain significance (1 of 4 stars; one submission).

Conditions:
Cardiovascular phenotype. Identifiers: MedGen CN230736.

gnomAD v4.1: 1 of 1,612,098 alleles (0.000062%); highest among the groups gnomAD compares: African/African-American, 0.0013%; no homozygotes.

Submission:

Ambry Genetics
Classification: Uncertain significance for Cardiovascular phenotype. Last evaluated: 2025-05-30. Review status: criteria provided, single submitter. Criteria: Ambry Variant Classification Scheme 2023. Collection method: clinical testing. Allele origin: germline.
Comment: The p.G49C variant (also known as c.145G>T), located in coding exon 2 of the GPD1L gene, results from a G to T substitution at nucleotide position 145. The glycine at codon 49 is replaced by cysteine, an amino acid with highly dissimilar properties. This amino acid position is conserved. In addition, this alteration is predicted to be deleterious by in silico analysis. Based on the available evidence, the clinical significance of this variant remains unclear.

NM_015141.4(GPD1L):c.145G>T (p.Gly49Cys)

Gene: GPD1L (glycerol-3-phosphate dehydrogenase 1 like; plus strand). Cytogenetic location: 3p22.3.
Variant type: single nucleotide variant.
Coding change: c.145G>T on transcript NM_015141.4 (MANE Select); coding-DNA position 145, G replaced by T.
Protein change: p.Gly49Cys; replaces glycine 49 with cysteine.
Molecular consequence: missense variant.
Genome position (GRCh38, 1-based): chr3:32,128,173, G>T. VCF-style: chr3-32128173-G-T. GRCh37 (hg19) VCF-style: chr3-32169665-G-T.
Other names: short protein forms G49C.
Identifiers: ClinVar variation 4031240 (VCV004031240.1).